The following is an entry in ClinVar:

ClinVar aggregate classification (germline): Conflicting classifications of pathogenicity. Review status: criteria provided, conflicting classifications (1 of 4 stars). 3 submissions from 3 submitters: Uncertain significance (2); Likely benign (1). Last evaluated 2024-12-16.

Conditions:
Hypokalemic periodic paralysis, type 1. Also called: Hypokalemic Periodic Paralysis Type 1 (AD); HypoPP. Identifiers: Orphanet 681, MedGen C3714580, MONDO:0042979, OMIM 170400.
Malignant hyperthermia, susceptibility to, 5 (MHS5). Also called: CACNA1S-Related Malignant Hyperthermia Susceptibility. Identifiers: Orphanet 423, MedGen C1866077, MONDO:0011163, OMIM 601887.
Congenital myopathy 18. Also called: DIHYDROPYRIDINE RECEPTOR CONGENITAL MYOPATHY; DHPR CONGENITAL MYOPATHY; Myopathy, congenital, due to dihydropyridine receptor defect. Identifiers: MedGen C5830283, MONDO:0859514, OMIM 620246.
Thyrotoxic periodic paralysis, susceptibility to, 1 (TTPP1). Identifiers: Orphanet 79102, MedGen C2749982, MONDO:0008570, OMIM 188580.

Allele frequency attached by ClinVar (database versions not stated): gnomAD exomes below 0.00001 and 0.00001; ExAC 0.00001; gnomAD 0.00001; TOPMed 0.00002.

Submissions (3):

Labcorp Genetics (formerly Invitae), Labcorp
Classification: Likely benign for Hypokalemic periodic paralysis, type 1; Malignant hyperthermia, susceptibility to, 5. Last evaluated: 2024-12-16. Review status: criteria provided, single submitter. Criteria: Invitae Variant Classification Sherloc (09022015). Collection method: clinical testing. Allele origin: germline.

Fulgent Genetics
Classification: Uncertain significance for Hypokalemic periodic paralysis, type 1; Thyrotoxic periodic paralysis, susceptibility to, 1; Malignant hyperthermia, susceptibility to, 5; Congenital myopathy 18. Last evaluated: 2024-04-04. Review status: criteria provided, single submitter. Criteria: ACMG Guidelines, 2015. Collection method: clinical testing. Allele origin: germline.

All of Us Research Program, National Institutes of Health
Classification: Uncertain significance for Malignant hyperthermia, susceptibility to, 5. Last evaluated: 2023-12-18. Review status: criteria provided, single submitter. Criteria: ACMG Guidelines, 2015. Collection method: clinical testing. Allele origin: germline. Inheritance: Autosomal dominant inheritance. Observed: 2 variant alleles, 2 heterozygotes.
Comment: This missense variant replaces asparagine with serine at codon 80 of the CACNA1S protein. Computational prediction is inconclusive regarding the impact of this variant on protein structure and function (internally defined REVEL score threshold 0.5 < inconclusive < 0.7, PMID: 27666373). To our knowledge, functional studies have not been reported for this variant. This variant has not been reported in individuals affected with CACNA1S-related disorders in the literature. This variant has been identified in 4/282610 chromosomes in the general population by the Genome Aggregation Database (gnomAD). The available evidence is insufficient to determine the role of this variant in disease conclusively. Therefore, this variant is classified as a Variant of Uncertain Significance.

This study involves interpretation of variants in research participants for the purpose of population health screening. Participant phenotype was not available at the time of variant classification. Additional details can be found in publication PMID: 35346344, PMCID: PMC8962531

NM_000069.3(CACNA1S):c.239A>G (p.Asn80Ser)

Gene: CACNA1S (calcium voltage-gated channel subunit alpha1 S; minus strand). Cytogenetic location: 1q32.1.
Variant type: single nucleotide variant.
Coding change: c.239A>G on transcript NM_000069.3 (MANE Select); coding-DNA position 239, A replaced by G.
Protein change: p.Asn80Ser; replaces asparagine 80 with serine.
Molecular consequence: missense variant.
Genome position (GRCh38, 1-based): chr1:201,110,183, T>C on the plus strand (A>G on the coding strand, the complement: CACNA1S is on the minus strand). VCF-style: chr1-201110183-T-C. GRCh37 (hg19) VCF-style: chr1-201079311-T-C.
Other names: short protein forms N80S.
Identifiers: ClinVar variation 1404799 (VCV001404799.8), dbSNP rs752667224, ClinGen allele CA078980.